The following is an entry in ClinVar:

NM_000535.7(PMS2):c.923A>T (p.Glu308Val)

Gene: PMS2 (PMS1 homolog 2, mismatch repair system component; minus strand). Cytogenetic location: 7p22.1.
Variant type: single nucleotide variant.
Coding change: c.923A>T on transcript NM_000535.7 (MANE Select); coding-DNA position 923, A replaced by T.
Protein change: p.Glu308Val; replaces glutamic acid 308 with valine.
Molecular consequence: missense variant. On other transcripts: 5 prime UTR variant (2), non-coding transcript variant (1), intron variant (1).
Genome position (GRCh38, 1-based): chr7:5,992,038, T>A on the plus strand (A>T on the coding strand, the complement: PMS2 is on the minus strand). VCF-style: chr7-5992038-T-A. GRCh37 (hg19) VCF-style: chr7-6031669-T-A.
Other names: c.518A>T, p.Glu173Val (NM_001322003.2, NM_001322004.2, NM_001322005.2 and 19 more transcripts); c.923A>T, p.Glu308Val (NM_001322006.2, NM_001322014.2, NM_001406870.1 and 2 more transcripts); c.605A>T, p.Glu202Val (NM_001322007.2, NM_001322008.2, NM_001406876.1 and 4 more transcripts); c.-11A>T (NM_001322011.2, NM_001322012.2); c.350A>T, p.Glu117Val (NM_001322013.2, NM_001406909.1); c.614A>T, p.Glu205Val (NM_001322015.2, NM_001406875.1, NM_001406877.1 and 6 more transcripts); c.1109A>T, p.Glu370Val (NM_001406866.1); c.947A>T, p.Glu316Val (NM_001406868.1); and 8 more; short protein forms E117V, E137V, E173V, E186V, E196V, E202V, E205V, E242V.
Identifiers: ClinVar variation 4862106 (VCV004862106.1).

ClinVar aggregate classification (germline): Uncertain significance (1 of 4 stars; one submission).

Conditions:
Hereditary cancer-predisposing syndrome. Also called: Neoplastic Syndromes, Hereditary; Tumor predisposition; Hereditary Cancer Syndrome; Hereditary neoplastic syndrome. Identifiers: Orphanet 140162, MedGen C0027672, MeSH D009386, MONDO:0015356.

Submission:

Ambry Genetics
Classification: Uncertain significance for Hereditary cancer-predisposing syndrome. Last evaluated: 2026-04-13. Review status: criteria provided, single submitter. Criteria: Ambry Variant Classification Scheme 2023. Collection method: clinical testing. Allele origin: germline.
Comment: The p.E308V variant (also known as c.923A>T), located in coding exon 9 of the PMS2 gene, results from an A to T substitution at nucleotide position 923. The glutamic acid at codon 308 is replaced by valine, an amino acid with dissimilar properties. This amino acid position is conserved. In addition, this alteration is predicted to be deleterious by in silico analysis. Based on the available evidence, the clinical significance of this variant remains unclear.